The following is an entry in ClinVar:

NM_004036.5(ADCY3):c.2245G>A (p.Glu749Lys)

Gene: ADCY3 (adenylate cyclase 3; minus strand). Cytogenetic location: 2p23.3.
Variant type: single nucleotide variant.
Coding change: c.2245G>A on transcript NM_004036.5 (MANE Select); coding-DNA position 2245, G replaced by A.
Protein change: p.Glu749Lys; replaces glutamic acid 749 with lysine.
Molecular consequence: missense variant. On other transcripts: intron variant (2).
Genome position (GRCh38, 1-based): chr2:24,828,089, C>T on the plus strand (G>A on the coding strand, the complement: ADCY3 is on the minus strand). VCF-style: chr2-24828089-C-T. GRCh37 (hg19) VCF-style: chr2-25050958-C-T.
Other names: c.2245G>A, p.Glu749Lys (NM_001320613.2, NM_001377132.1); c.2311G>A, p.Glu771Lys (NM_001377128.1); c.1522G>A, p.Glu508Lys (NM_001377131.1); c.2172+2620G>A (NM_001377130.1); c.2173-66G>A (NM_001377129.1); short protein forms E508K, E749K, E771K.
Identifiers: ClinVar variation 3349820 (VCV003349820.1).

ClinVar aggregate classification (germline): Uncertain significance (0 of 4 stars; one submission).

Conditions:
ADCY3-related disorder. Also called: ADCY3-related condition.

Submission:

PreventionGenetics, part of Exact Sciences
Classification: Uncertain significance for ADCY3-related condition. Last evaluated: 2024-03-29. Review status: no assertion criteria provided. Collection method: clinical testing. Allele origin: germline.
Comment: The ADCY3 c.2245G>A variant is predicted to result in the amino acid substitution p.Glu749Lys. To our knowledge, this variant has not been reported in the literature or in a large population database, indicating this variant is rare. At this time, the clinical significance of this variant is uncertain due to the absence of conclusive functional and genetic evidence.